The following is an entry in ClinVar:

NM_000070.3(CAPN3):c.755T>C (p.Met252Thr)

Gene: CAPN3 (calpain 3; plus strand). Cytogenetic location: 15q15.1.
Variant type: single nucleotide variant.
Coding change: c.755T>C on transcript NM_000070.3 (MANE Select); coding-DNA position 755, T replaced by C.
Protein change: p.Met252Thr; replaces methionine 252 with threonine.
Molecular consequence: missense variant.
Genome position (GRCh38, 1-based): chr15:42,389,050, T>C. VCF-style: chr15-42389050-T-C. GRCh37 (hg19) VCF-style: chr15-42681248-T-C.
Other names: c.755T>C, p.Met252Thr (NM_024344.2, NM_173087.2); short protein forms M252T.
Identifiers: ClinVar variation 555359 (VCV000555359.20), dbSNP rs1555420652, ClinGen allele CA391998314.
Genomic context (GRCh38, chr15:42,389,050, plus strand): 5'-CAGGAGGGGTGGCAGAGTTTTTTGAGATCAGGGATGCTCCTAGTGACATGTACAAGATCA[T>C]GAAGAAAGCCATCGAGAGAGGCTCCCTCATGGGCTGCTCCATTGATGTAAGTCTGGGGTG-3'
Protein context (NP_000061.1, residues 242-262): RDAPSDMYKI[Met252Thr]KKAIERGSLM

ClinVar aggregate classification (germline): Conflicting classifications of pathogenicity. Review status: criteria provided, conflicting classifications (1 of 4 stars). 7 submissions from 7 submitters: Pathogenic (1); Likely pathogenic (2); Uncertain significance (3). 1 of the submissions does not count toward it. Last evaluated 2026-02-25.

Conditions:
Autosomal recessive limb-girdle muscular dystrophy type 2A (LGMDR1). Also called: Muscular dystrophy, limb-girdle, type 2A, Amish; Limb-girdle muscular dystrophy, type 2A; Calpainopathy; LEYDEN-MOEBIUS MUSCULAR DYSTROPHY; MUSCULAR DYSTROPHY, PELVOFEMORAL. Identifiers: Orphanet 267, MedGen C1869123, MONDO:0009675, OMIM 253600. Disease mechanism: loss of function.

Allele frequency attached by ClinVar (database versions not stated): gnomAD exomes 0.00001.
gnomAD v4.1: 3 of 1,614,106 alleles (0.00019%); highest among the groups gnomAD compares: Admixed American, 0.0033%; no homozygotes.

Submissions (7):

Myriad Genetics, Inc.
Classification: Uncertain significance for Autosomal recessive limb-girdle muscular dystrophy type 2A. Last evaluated: 2026-02-25. Review status: criteria provided, single submitter. Criteria: Myriad Autosomal Dominant, Autosomal Recessive and X-Linked Classification Criteria (2023). Collection method: clinical testing. Allele origin: unknown.
Comment: NM_000070.2(CAPN3):c.755T>C(M252T) is a missense variant classified as a variant of uncertain significance in the context of calpainopathy. M252T has been observed in cases with relevant disease (PMID: 18854869, 16141003). Relevant functional assessments of this variant are not available in the literature. M252T has been observed in referenced population frequency databases. In summary, there is insufficient evidence to classify NM_000070.2(CAPN3):c.755T>C(M252T) as pathogenic or benign. Please note: this variant was assessed in the context of healthy population screening.

GeneDx
Classification: Uncertain significance. Last evaluated: 2026-02-17. Review status: criteria provided, single submitter. Criteria: GeneDx Variant Classification Process June 2021. Collection method: clinical testing. Allele origin: germline.
Comment: Identified in an individual with limb girdle muscular dystrophy, but it is unknown whether this individual was tested for variants in other genes associated with muscular dystrophy (PMID: 16141003); Identified with a second variant in an individual with limb girdle muscular dystrophy, but it is not known whether the variants occurred on the same (in cis) or on different (in trans) chromosomes (PMID: 18854869); In silico analysis supports that this missense variant has a deleterious effect on protein structure/function; Not observed at significant frequency in large population cohorts (gnomAD); This variant is associated with the following publications: (PMID: 18854869, 20635405, 16141003)

Natera, Inc.
Classification: Likely pathogenic for Limb-girdle muscular dystrophy type 2A. Last evaluated: 2025-12-09. Review status: criteria provided, single submitter. Criteria: Natera Variant Classification Schema (03/2026). Collection method: clinical testing. Allele origin: germline.
Comment: The c.755T>C variant in CAPN3 is a missense variant predicted to cause substitution of methionine to threonine at amino acid 252. This variant is rare in the general population with a frequency below the threshold expected for the associated phenotype(s). This variant has been observed in one or more individuals affected with the associated recessive disease, as either homozygous or compound heterozygous with a second variant (PMID: 20635405). A different variant at the same position has been determined to be Pathogenic or Likely Pathogenic. Computational prediction algorithms indicate this variant is likely to affect gene or protein function. Given the available evidence, this variant is classified as Likely Pathogenic.

Women's Health and Genetics/Laboratory Corporation of America, LabCorp
Classification: Uncertain significance. Last evaluated: 2025-06-20. Review status: criteria provided, single submitter. Criteria: LabCorp Variant Classification Summary - May 2015. Collection method: clinical testing. Allele origin: germline.
Comment: Variant summary: CAPN3 c.755T>C (p.Met252Thr) results in a non-conservative amino acid change located in the Peptidase C2, calpain, catalytic domain (IPR001300) of the encoded protein sequence. Algorithms developed to predict the effect of missense changes on protein structure and function all suggest that this variant is likely to be disruptive. The variant allele was found at a frequency of 8e-06 in 251418 control chromosomes. c.755T>C has been observed in individuals affected with Limb-Girdle Muscular Dystrophy (e.g., Fanin_2009, Nascimbeni_2010, Piluso_2005, internal data). In one publication, an affected individual was compound heterozygous for this variant and c.1524+1G>C and whose muscle biopsy demonstrated 5% calpain quantity (Fanin_2009). These data indicate that the variant may be associated with disease. To our knowledge, no experimental evidence demonstrating an impact on protein function has been reported. The following publications have been ascertained in the context of this evaluation (PMID: 18854869, 20635405, 16141003). ClinVar contains an entry for this variant (Variation ID: 555359). Based on the evidence outlined above, the variant was classified as VUS-possibly pathogenic.

Labcorp Genetics (formerly Invitae), Labcorp
Classification: Pathogenic for Autosomal recessive limb-girdle muscular dystrophy type 2A. Last evaluated: 2023-12-02. Review status: criteria provided, single submitter. Criteria: Invitae Variant Classification Sherloc (09022015). Collection method: clinical testing. Allele origin: germline.
Comment: This sequence change replaces methionine, which is neutral and non-polar, with threonine, which is neutral and polar, at codon 252 of the CAPN3 protein (p.Met252Thr). This variant is present in population databases (no rsID available, gnomAD 0.003%). This missense change has been observed in individual(s) with autosomal recessive CAPN3-related conditions (PMID: 18854869; Invitae). In at least one individual the data is consistent with being in trans (on the opposite chromosome) from a pathogenic variant. This variant has been reported in individual(s) with autosomal dominant limb-girdle muscular dystrophy (PMID: 16141003); however, the role of the variant in this condition is currently unclear. ClinVar contains an entry for this variant (Variation ID: 555359). Advanced modeling of protein sequence and biophysical properties (such as structural, functional, and spatial information, amino acid conservation, physicochemical variation, residue mobility, and thermodynamic stability) performed at Invitae indicates that this missense variant is expected to disrupt CAPN3 protein function with a positive predictive value of 80%. This variant disrupts the p.Met252 amino acid residue in CAPN3. Other variant(s) that disrupt this residue have been determined to be pathogenic (Invitae). This suggests that this residue is clinically significant, and that variants that disrupt this residue are likely to be disease-causing. For these reasons, this variant has been classified as Pathogenic.

Revvity Omics, Revvity
Classification: Likely pathogenic. Last evaluated: 2022-08-18. Review status: criteria provided, single submitter. Criteria: ACMG Guidelines, 2015. Collection method: clinical testing. Allele origin: germline.

Counsyl
Classification: Uncertain significance for Autosomal recessive limb-girdle muscular dystrophy type 2A. Last evaluated: 2017-12-01. Review status: no assertion criteria provided. Collection method: clinical testing. Allele origin: unknown. Not counted in ClinVar's aggregate classification.

Literature cited by the submitters: PubMed 16141003 (cited by 4 submitters); PubMed 18854869 (cited by 4 submitters); PubMed 20635405 (cited by Natera, Inc. and Women's Health and Genetics/Laboratory Corporation of America, LabCorp).